The following is an entry in ClinVar:

NM_003954.5(MAP3K14):c.1147A>G (p.Thr383Ala)

Gene: MAP3K14 (mitogen-activated protein kinase kinase kinase 14; minus strand). Cytogenetic location: 17q21.31.
Variant type: single nucleotide variant.
Coding change: c.1147A>G on transcript NM_003954.5 (MANE Select); coding-DNA position 1147, A replaced by G.
Protein change: p.Thr383Ala; replaces threonine 383 with alanine.
Molecular consequence: missense variant.
Genome position (GRCh38, 1-based): chr17:45,286,436, T>C on the plus strand (A>G on the coding strand, the complement: MAP3K14 is on the minus strand). VCF-style: chr17-45286436-T-C. GRCh37 (hg19) VCF-style: chr17-43363803-T-C.
Other names: short protein forms T383A.
Identifiers: ClinVar variation 1381754 (VCV001381754.6), dbSNP rs2143819386, ClinGen allele CA399887290.
Genomic context (GRCh38, chr17:45,286,436, plus strand): 5'-GCATCCCCCAGGTTGCTGGTAGAGGGACATATACAGGTGCCGGGGGATTAGTTACCTCAG[T>C]GAGCAGGACACCCTCGTTGTCCTCAGTTTTGGGGCTGGGCTCCCGGGATCTGGAGCCCCT-3'
Protein context (NP_003945.2, residues 373-393): KTEDNEGVLL[Thr383Ala]EKLKPVDYEY

ClinVar aggregate classification (germline): Uncertain significance (1 of 4 stars; one submission).

Conditions:
NIK deficiency. Also called: Primary immunodeficiency with multifaceted aberrant lymphoid immunity. Identifiers: Orphanet 447731, MedGen C5680065, MONDO:0018642.

Submission:

Labcorp Genetics (formerly Invitae), Labcorp
Classification: Uncertain significance for NIK deficiency. Last evaluated: 2021-09-17. Review status: criteria provided, single submitter. Criteria: Invitae Variant Classification Sherloc (09022015). Collection method: clinical testing. Allele origin: germline.
Comment: This sequence change replaces threonine with alanine at codon 383 of the MAP3K14 protein (p.Thr383Ala). The threonine residue is moderately conserved and there is a small physicochemical difference between threonine and alanine. This variant is not present in population databases (ExAC no frequency). This variant has not been reported in the literature in individuals affected with MAP3K14-related conditions. Experimental studies and prediction algorithms are not available or were not evaluated, and the functional significance of this variant is currently unknown. In summary, the available evidence is currently insufficient to determine the role of this variant in disease. Therefore, it has been classified as a Variant of Uncertain Significance.